The following is an entry in ClinVar:

ClinVar aggregate classification (germline): Uncertain significance. Review status: criteria provided, multiple submitters, no conflicts (2 of 4 stars). 3 submissions from 3 submitters: Uncertain significance (3). Last evaluated 2024-12-18.

Conditions:
Autosomal recessive nonsyndromic hearing loss 32. Also called: Deafness, autosomal recessive 32; Deafness, autosomal recessive 105; HEARING IMPAIRMENT INFERTILE MALE SYNDROME. Identifiers: Orphanet 90636, MedGen C1837608, MONDO:0012091, OMIM 608653.
CDC14A-related disorder. Also called: CDC14A-related condition.

Allele frequency attached by ClinVar (database versions not stated): gnomAD 0.00006 and 0.00007; ESP Exome Variant Server 0.00008; gnomAD exomes 0.00008 and 0.00015; TOPMed 0.00011; ExAC 0.00015; 1000 Genomes Project 0.00020; 1000 Genomes Project 30x 0.00031.
gnomAD v4.1: 132 of 1,614,124 alleles (0.0082%); highest among the groups gnomAD compares: East Asian, 0.11%; 1 homozygote.

Submissions (3):

PreventionGenetics, part of Exact Sciences
Classification: Uncertain significance for CDC14A-related condition. Last evaluated: 2024-12-18. Review status: criteria provided, single submitter. Criteria: ACMG Guidelines, 2015. Collection method: clinical testing. Allele origin: germline.
Comment: The CDC14A c.1745G>A variant is predicted to result in the amino acid substitution p.Arg582His. To our knowledge, this variant has not been reported in the literature. This variant is reported in 0.11% of alleles in individuals of East Asian descent in gnomAD. Although we suspect that this variant may be benign, at this time, the clinical significance of this variant is uncertain due to the absence of conclusive functional and genetic evidence.

Labcorp Genetics (formerly Invitae), Labcorp
Classification: Uncertain significance. Last evaluated: 2024-04-07. Review status: criteria provided, single submitter. Criteria: Invitae Variant Classification Sherloc (09022015). Collection method: clinical testing. Allele origin: germline.
Comment: This sequence change replaces arginine, which is basic and polar, with histidine, which is basic and polar, at codon 582 of the CDC14A protein (p.Arg582His). This variant is present in population databases (rs148639495, gnomAD 0.1%). This variant has not been reported in the literature in individuals affected with CDC14A-related conditions. ClinVar contains an entry for this variant (Variation ID: 1028517). An algorithm developed to predict the effect of missense changes on protein structure and function (PolyPhen-2) suggests that this variant is likely to be disruptive. In summary, the available evidence is currently insufficient to determine the role of this variant in disease. Therefore, it has been classified as a Variant of Uncertain Significance.

Baylor Genetics
Classification: Uncertain significance for Autosomal recessive nonsyndromic hearing loss 32. Last evaluated: 2019-05-16. Review status: criteria provided, single submitter. Criteria: ACMG Guidelines, 2015. Collection method: clinical testing. Allele origin: unknown. Affected: yes.
Comment: This variant was determined to be of uncertain significance according to ACMG Guidelines, 2015 [PMID:25741868].

NM_003672.4(CDC14A):c.1745G>A (p.Arg582His)

Gene: CDC14A (cell division cycle 14A; plus strand). Cytogenetic location: 1p21.2.
Variant type: single nucleotide variant.
Coding change: c.1745G>A on transcript NM_003672.4 (MANE Select); coding-DNA position 1745, G replaced by A.
Protein change: p.Arg582His; replaces arginine 582 with histidine.
Molecular consequence: missense variant.
Genome position (GRCh38, 1-based): chr1:100,499,252, G>A. VCF-style: chr1-100499252-G-A. GRCh37 (hg19) VCF-style: chr1-100964808-G-A.
Other names: c.1745G>A, p.Arg582His (NM_001319210.2, NM_033312.3); c.1571G>A, p.Arg524His (NM_001319211.2); c.866G>A, p.Arg289His (NM_001319212.2); short protein forms R524H, R289H, R582H.
Identifiers: ClinVar variation 1028517 (VCV001028517.6), dbSNP rs148639495, ClinGen allele CA970971.